The following is an entry in ClinVar:

NM_001039348.3(EFEMP1):c.1274C>G (p.Thr425Ser)

Gene: EFEMP1 (EGF-like fibulin extracellular matrix protein 1; minus strand). Cytogenetic location: 2p16.1.
Variant type: single nucleotide variant.
Coding change: c.1274C>G on transcript NM_001039348.3 (MANE Select); coding-DNA position 1274, C replaced by G.
Protein change: p.Thr425Ser; replaces threonine 425 with serine.
Molecular consequence: missense variant.
Genome position (GRCh38, 1-based): chr2:55,870,766, G>C on the plus strand (C>G on the coding strand, the complement: EFEMP1 is on the minus strand). VCF-style: chr2-55870766-G-C. GRCh37 (hg19) VCF-style: chr2-56097901-G-C.
Other names: c.1274C>G, p.Thr425Ser (NM_001039349.3); short protein forms T425S.
Identifiers: ClinVar variation 2719144 (VCV002719144.4), dbSNP rs780161368, ClinGen allele CA347027907.

ClinVar aggregate classification (germline): Uncertain significance. Review status: criteria provided, multiple submitters, no conflicts (2 of 4 stars). 2 submissions from 2 submitters: Uncertain significance (2). Last evaluated 2023-09-05.

gnomAD v4.1: 4 of 1,613,780 alleles (0.00025%); highest among the groups gnomAD compares: East Asian, 0.0045%; no homozygotes.

Submissions (2):

Labcorp Genetics (formerly Invitae), Labcorp
Classification: Uncertain significance. Last evaluated: 2023-09-05. Review status: criteria provided, single submitter. Criteria: Invitae Variant Classification Sherloc (09022015). Collection method: clinical testing. Allele origin: germline.
Comment: In summary, the available evidence is currently insufficient to determine the role of this variant in disease. Therefore, it has been classified as a Variant of Uncertain Significance. Advanced modeling of protein sequence and biophysical properties (such as structural, functional, and spatial information, amino acid conservation, physicochemical variation, residue mobility, and thermodynamic stability) performed at Invitae indicates that this missense variant is not expected to disrupt EFEMP1 protein function. This variant is present in population databases (no rsID available, gnomAD 0.006%). This variant has not been reported in the literature in individuals affected with EFEMP1-related conditions. This sequence change replaces threonine, which is neutral and polar, with serine, which is neutral and polar, at codon 425 of the EFEMP1 protein (p.Thr425Ser).

Blueprint Genetics
Classification: Uncertain significance. Last evaluated: 2020-01-08. Review status: criteria provided, single submitter. Criteria: ACMG Guidelines, 2015. Collection method: clinical testing. Allele origin: germline.